The following is an entry in ClinVar:

ClinVar aggregate classification (germline): Uncertain significance. Review status: criteria provided, multiple submitters, no conflicts (2 of 4 stars). 2 submissions from 2 submitters: Uncertain significance (2). Last evaluated 2024-10-22.

Conditions:
Congenital diarrhea 7 with exudative enteropathy. Also called: Diarrhea 7. Identifiers: Orphanet 329242, MedGen C4014516, MONDO:0014375, OMIM 615863.

Allele frequency attached by ClinVar (database versions not stated): gnomAD exomes below 0.00001; TOPMed below 0.00001; gnomAD 0.00001.
gnomAD v4.1: 5 of 1,608,634 alleles (0.00031%); highest among the groups gnomAD compares: Non-Finnish European, 0.00042%; no homozygotes.

Submissions (2):

3billion
Classification: Uncertain significance for Congenital diarrhea 7 with exudative enteropathy. Last evaluated: 2024-10-22. Review status: criteria provided, single submitter. Criteria: ACMG Guidelines, 2015. Collection method: clinical testing. Allele origin: germline. Affected: yes.
Comment: The variant is observed at an extremely low frequency in the gnomAD v4.1.0 dataset (total allele frequency: <0.001%). Predicted Consequence/Location: Missense variant. The majority of the known disease-causing variants of this gene are variants expected to result in premature termination of the protein. Damaging effect on gene or gene product predicted by in silico programs is uncertain [REVEL: 0.32 (damaging >=0.6, benign <0.4), 3Cnet: 0.54 (damaging >=0.6, benign <0.15)]. The variant has been reported as of uncertain significance (ClinVar ID: VCV001477923). Therefore, this variant is classified as VUS according to the recommendation of ACMG/AMP guideline.

Labcorp Genetics (formerly Invitae), Labcorp
Classification: Uncertain significance. Last evaluated: 2021-08-14. Review status: criteria provided, single submitter. Criteria: Invitae Variant Classification Sherloc (09022015). Collection method: clinical testing. Allele origin: germline.
Comment: This sequence change replaces glutamic acid with glycine at codon 151 of the DGAT1 protein (p.Glu151Gly). The glutamic acid residue is highly conserved and there is a moderate physicochemical difference between glutamic acid and glycine. This variant is not present in population databases (ExAC no frequency). This variant has not been reported in the literature in individuals affected with DGAT1-related conditions. Algorithms developed to predict the effect of missense changes on protein structure and function are either unavailable or do not agree on the potential impact of this missense change (SIFT: "Tolerated"; PolyPhen-2: "Probably Damaging"; Align-GVGD: "Class C0"). Algorithms developed to predict the effect of sequence changes on RNA splicing suggest that this variant may create or strengthen a splice site. In summary, the available evidence is currently insufficient to determine the role of this variant in disease. Therefore, it has been classified as a Variant of Uncertain Significance.

NM_012079.6(DGAT1):c.452A>G (p.Glu151Gly)

Gene: DGAT1 (diacylglycerol O-acyltransferase 1; minus strand). Cytogenetic location: 8q24.3.
Variant type: single nucleotide variant.
Coding change: c.452A>G on transcript NM_012079.6 (MANE Select); coding-DNA position 452, A replaced by G.
Protein change: p.Glu151Gly; replaces glutamic acid 151 with glycine.
Molecular consequence: missense variant.
Genome position (GRCh38, 1-based): chr8:144,318,715, T>C on the plus strand (A>G on the coding strand, the complement: DGAT1 is on the minus strand). VCF-style: chr8-144318715-T-C. GRCh37 (hg19) VCF-style: chr8-145542378-T-C.
Other names: short protein forms E151G.
Identifiers: ClinVar variation 1477923 (VCV001477923.6), dbSNP rs1166286615, ClinGen allele CA372612568.
Genomic context (GRCh38, chr8:144,318,715, plus strand): 5'-ACACAGCAGGGTGAGCACACACGGAGGTGAGGGGCACTGCTTACCACCGCCAGGCGCTTC[T>C]CAACCTGGAATGCAGCCACAGCAAAGACATTGGCCGCTGTGGACAGAAGCACCAAGGGGC-3'
Protein context (NP_036211.2, residues 141-161): NVFAVAAFQV[Glu151Gly]KRLAVGALTE